The following is an entry in ClinVar:

NM_004409.5(DMPK):c.*224CTG[264]

Genes: DM1-AS (DM1 locus antisense RNA; plus strand), DMPK (DM1 protein kinase; minus strand), LOC107075317 (origin of replication in DMPK trinucleotide repeat region; plus strand), LOC109461477 (dystrophia myotonica protein kinase repeat instability region; plus strand). Cytogenetic location: 19q13.32.
Variant type: Microsatellite.
Coding change: c.*224CTG[264] on transcript NM_004409.5 (MANE Select); 264 copies in a row of the 3-base unit CTG starting at c.*224.
Molecular consequence: 3 prime UTR variant.
Genome position: GRCh38, VCF-style position (the base before the change): chr19:45,770,204. GRCh37 (hg19), VCF-style position (the base before the change): chr19:46,273,462.
Other names: DM1 CTG repeat expansion; c.*222_*224TGC[264] (NM_001081563.3); c.*224CTG[264] (NM_001288764.2, NM_001424165.1, NM_001424169.1 and 1 more transcripts); c.*217CTG[264] (NM_001288765.2, NM_001424162.1, NM_001424163.1 and 2 more transcripts); c.*369CTG[264] (NM_001288766.2, NM_001424164.1, NM_001424168.1).
Identifiers: ClinVar variation 187950 (VCV000187950.1), ClinGen allele CA915951748.

ClinVar aggregate classification (germline): Pathogenic (0 of 4 stars; one submission).

Conditions:
Steinert myotonic dystrophy syndrome (DM1). Also called: STEINERT DISEASE; Myotonic dystrophy type 1; Dystrophia myotonica type 1; Steinert myotonic dystrophy; Steinert's disease. Identifiers: Orphanet 273, MedGen C3250443, MONDO:0008056, OMIM 160900.

Submission:

Institute of Molecular, Cell and Systems Biology, University of Glasgow
Classification: Pathogenic for Steinert myotonic dystrophy syndrome. Review status: no assertion criteria provided. Criteria: research. Collection method: research. Allele origin: germline. Inheritance: Autosomal dominant inheritance. Affected: no. Observed: 1 heterozygote.
Comment: DMPK CTG repeat expansions greater than approximately 45-50 repeats are assumed to be pathogenic

This record is based on data published in PubMed 25052313, which reports only ClinVar accessions SCV000120188 and SCV000120189. The complete data set includes SCV000207445 - SCV000207579.

Literature cited by the submitters: PubMed 1346923; PubMed 1546326; PubMed 25052313.